The following is an entry in ClinVar:

NM_020639.3(RIPK4):c.*219T>G

Gene: RIPK4 (receptor interacting serine/threonine kinase 4; minus strand). Cytogenetic location: 21q22.3.
Variant type: single nucleotide variant.
Coding change: c.*219T>G on transcript NM_020639.3 (MANE Select); 219 bases downstream of the stop codon, T replaced by G.
Molecular consequence: 3 prime UTR variant.
Genome position (GRCh38, 1-based): chr21:41,740,619, A>C on the plus strand (T>G on the coding strand, the complement: RIPK4 is on the minus strand). VCF-style: chr21-41740619-A-C. GRCh37 (hg19) VCF-style: chr21-43160779-A-C.
Identifiers: ClinVar variation 340002 (VCV000340002.8), dbSNP rs112292749, ClinGen allele CA10653631.

ClinVar aggregate classification (germline): Benign/Likely benign. Review status: criteria provided, multiple submitters, no conflicts (2 of 4 stars). 3 submissions from 3 submitters: Benign (1); Likely benign (2). Last evaluated 2019-11-29.

Conditions:
Bartsocas-Papas syndrome 1. Also called: Bartsocas-Papas syndrome; MULTIPLE PTERYGIUM SYNDROME, ASLAN TYPE; PTERYGIUM, POPLITEAL, LETHAL TYPE. Identifiers: Orphanet 1234, MedGen C1849718, MONDO:0009901, OMIM 263650.

Allele frequency attached by ClinVar (database versions not stated): gnomAD exomes 0.00256; gnomAD 0.02329 and 0.02518; 1000 Genomes Project 0.02456; TOPMed 0.02622; 1000 Genomes Project 30x 0.02623.
gnomAD v4.1: 4,668 of 564,248 alleles (0.83%); highest among the groups gnomAD compares: African/African-American, 7.9%; 182 homozygotes.

Submissions (3):

GeneDx
Classification: Benign. Last evaluated: 2019-11-29. Review status: criteria provided, single submitter. Criteria: GeneDx Variant Classification Process June 2021. Collection method: clinical testing. Allele origin: germline. Affected: yes.

Illumina Laboratory Services, Illumina
Classification: Likely benign for Bartsocas-Papas syndrome 1. Last evaluated: 2017-04-27. Review status: criteria provided, single submitter. Criteria: ICSL Variant Classification Criteria 13 December 2019. Collection method: clinical testing. Allele origin: germline.
Comment: This variant was observed as part of a predisposition screen in an ostensibly healthy population. A literature search was performed for the gene, cDNA change, and amino acid change (where applicable). No publications were found based on this search. Allele frequency data from public databases allowed determination this variant is unlikely to cause disease. Therefore, this variant is classified as likely benign.

Breakthrough Genomics
Classification: Likely benign. Review status: criteria provided, single submitter. Criteria: ACMG Guidelines, 2015. Collection method: not provided. Allele origin: germline. Inheritance: Autosomal recessive inheritance. Affected: yes.